The following is an entry in ClinVar:

NM_000815.5(GABRD):c.314C>T (p.Thr105Ile)

Gene: GABRD (gamma-aminobutyric acid type A receptor subunit delta; plus strand). Cytogenetic location: 1p36.33.
Variant type: single nucleotide variant.
Coding change: c.314C>T on transcript NM_000815.5 (MANE Select); coding-DNA position 314, C replaced by T.
Protein change: p.Thr105Ile; replaces threonine 105 with isoleucine.
Molecular consequence: missense variant.
Genome position (GRCh38, 1-based): chr1:2,025,582, C>T. VCF-style: chr1-2025582-C-T. GRCh37 (hg19) VCF-style: chr1-1957021-C-T.
Other names: short protein forms T105I.
Identifiers: ClinVar variation 3696361 (VCV003696361.2).

ClinVar aggregate classification (germline): Uncertain significance (1 of 4 stars; one submission).

Conditions:
Idiopathic generalized epilepsy. Also called: EIG; Generalised epilepsy. Identifiers: MedGen C0270850, MONDO:0005579, OMIM 600669.

Submission:

Labcorp Genetics (formerly Invitae), Labcorp
Classification: Uncertain significance for Idiopathic generalized epilepsy. Last evaluated: 2024-10-21. Review status: criteria provided, single submitter. Criteria: Invitae Variant Classification Sherloc (09022015). Collection method: clinical testing. Allele origin: germline.
Comment: This sequence change replaces threonine, which is neutral and polar, with isoleucine, which is neutral and non-polar, at codon 105 of the GABRD protein (p.Thr105Ile). This variant is not present in population databases (gnomAD no frequency). This variant has not been reported in the literature in individuals affected with GABRD-related conditions. An algorithm developed to predict the effect of missense changes on protein structure and function (PolyPhen-2) suggests that this variant is likely to be disruptive. In summary, the available evidence is currently insufficient to determine the role of this variant in disease. Therefore, it has been classified as a Variant of Uncertain Significance.